The following is an entry in ClinVar:

ClinVar aggregate classification (germline): Pathogenic. Review status: reviewed by expert panel (3 of 4 stars). 2 submissions from 2 submitters: Pathogenic (1). 1 of the submissions does not count toward it. Last evaluated 2016-10-18.

Conditions:
Breast-ovarian cancer, familial, susceptibility to, 1 (BROVCA1). Also called: BRCA1 Hereditary Breast and Ovarian Cancer; OVARIAN CANCER, SUSCEPTIBILITY TO. Identifiers: Orphanet 145, MedGen C2676676, MONDO:0011450, OMIM 604370. Disease mechanism: loss of function.

Submissions (2):

Evidence-based Network for the Interpretation of Germline Mutant Alleles (ENIGMA)
Classification: Pathogenic for Breast-ovarian cancer, familial, susceptibility to, 1. Last evaluated: 2016-10-18. Review status: reviewed by expert panel. Criteria: ENIGMA BRCA1/2 Classification Criteria (2015). Collection method: curation. Allele origin: germline.
Comment: Variant allele predicted to encode a truncated non-functional protein.

Consortium of Investigators of Modifiers of BRCA1/2 (CIMBA), c/o University of Cambridge
Classification: Pathogenic for Breast-ovarian cancer, familial, susceptibility to, 1. Last evaluated: 2015-10-02. Review status: criteria provided, single submitter. Criteria: CIMBA Mutation Classification guidelines May 2016. Collection method: clinical testing. Allele origin: germline. Not counted in ClinVar's aggregate classification.

NM_007294.4(BRCA1):c.2311_2312insC (p.Leu771fs)

Gene: BRCA1 (BRCA1 DNA repair associated; minus strand). Cytogenetic location: 17q21.31.
Variant type: Insertion.
Coding change: c.2311_2312insC on transcript NM_007294.4 (MANE Select); coding-DNA positions 2311 to 2312, C inserted.
Protein change: p.Leu771fs; shifts the reading frame from leucine 771.
Molecular consequence: frameshift variant. On other transcripts: intron variant (137).
Genome position: GRCh38 VCF-style: chr17-43093219-A-AG. GRCh37 (hg19) VCF-style: chr17-41245236-A-AG.
Other names: 2430insC; c.2098_2099insC, p.Leu700fs (NM_001407571.1, NM_001407898.1, NM_001407899.1 and 9 more transcripts); c.2311_2312insC, p.Leu771fs (NM_001407581.1, NM_001407582.1, NM_001407583.1 and 30 more transcripts); c.2308_2309insC, p.Leu770fs (NM_001407587.1, NM_001407590.1, NM_001407591.1 and 22 more transcripts); c.2233_2234insC, p.Leu745fs (NM_001407655.1, NM_001407656.1, NM_001407657.1 and 4 more transcripts); c.2230_2231insC, p.Leu744fs (NM_001407659.1, NM_001407660.1, NM_001407661.1 and 1 more transcripts); c.2185_2186insC, p.Leu729fs (NM_001407673.1, NM_001407691.1, NM_001407941.1 and 11 more transcripts); c.2188_2189insC, p.Leu730fs (NM_001407674.1, NM_001407675.1, NM_001407676.1 and 19 more transcripts); and 42 more; short protein forms L724fs, L771fs, L644fs, L703fs, L729fs, L768fs, L475fs, L659fs.
Identifiers: ClinVar variation 266247 (VCV000266247.7), dbSNP rs886040023, ClinGen allele CA10589866.